The following is an entry in ClinVar:

NM_012123.4(MTO1):c.1261-3T>G

Gene: MTO1 (mitochondrial tRNA translation optimization 1; plus strand). Cytogenetic location: 6q13.
Variant type: single nucleotide variant.
Coding change: c.1261-3T>G on transcript NM_012123.4 (MANE Select); 3 bases into the intron before coding-DNA position 1261, T replaced by G.
Molecular consequence: intron variant.
Genome position (GRCh38, 1-based): chr6:73,482,037, T>G. VCF-style: chr6-73482037-T-G. GRCh37 (hg19) VCF-style: chr6-74191760-T-G.
Other names: c.1336-3T>G (NM_133645.3); c.1381-3T>G (NM_001123226.2).
Identifiers: ClinVar variation 4690034 (VCV004690034.1).
Genomic context (GRCh38, chr6:73,482,037, plus strand): 5'-CTGAATGGGATAGCCGTTTGTTTAGTTCATAATGGCCTTTTAAACATTTCAGTGCTCTTG[T>G]AGGGTGTGATAGCCGGAATCAACGCCAGTCTTCGGGTCAGTCGCAAGCCTCCCTTTGTGG-3'

ClinVar aggregate classification (germline): Uncertain significance (1 of 4 stars; one submission).

Submission:

GeneDx
Classification: Uncertain significance. Last evaluated: 2025-08-01. Review status: criteria provided, single submitter. Criteria: GeneDx Variant Classification Process June 2021. Collection method: clinical testing. Allele origin: germline. Affected: yes.
Comment: Not observed at significant frequency in large population cohorts (gnomAD); In silico analysis supports a deleterious effect on splicing; Has not been previously published as pathogenic or benign to our knowledge